The following is an entry in ClinVar:

ClinVar aggregate classification (germline): Uncertain significance (1 of 4 stars; one submission).

Submission:

Labcorp Genetics (formerly Invitae), Labcorp
Classification: Uncertain significance. Last evaluated: 2025-08-15. Review status: criteria provided, single submitter. Criteria: Invitae Variant Classification Sherloc (09022015). Collection method: clinical testing. Allele origin: germline.
Comment: This sequence change replaces glutamic acid, which is acidic and polar, with aspartic acid, which is acidic and polar, at codon 221 of the C3 protein (p.Glu221Asp). This variant is not present in population databases (gnomAD no frequency). This variant has not been reported in the literature in individuals affected with C3-related conditions. Invitae Evidence Modeling of protein sequence and biophysical properties (such as structural, functional, and spatial information, amino acid conservation, physicochemical variation, residue mobility, and thermodynamic stability) indicates that this missense variant is not expected to disrupt C3 protein function with a negative predictive value of 80%. In summary, the available evidence is currently insufficient to determine the role of this variant in disease. Therefore, it has been classified as a Variant of Uncertain Significance.

NM_000064.4(C3):c.663G>C (p.Glu221Asp)

Gene: C3 (complement C3; minus strand). Cytogenetic location: 19p13.3.
Variant type: single nucleotide variant.
Coding change: c.663G>C on transcript NM_000064.4 (MANE Select); coding-DNA position 663, G replaced by C.
Protein change: p.Glu221Asp; replaces glutamic acid 221 with aspartic acid.
Molecular consequence: missense variant.
Genome position (GRCh38, 1-based): chr19:6,714,185, C>G on the plus strand (G>C on the coding strand, the complement: C3 is on the minus strand). VCF-style: chr19-6714185-C-G. GRCh37 (hg19) VCF-style: chr19-6714196-C-G.
Other names: short protein forms E221D.
Identifiers: ClinVar variation 4742034 (VCV004742034.1).